The following is an entry in ClinVar:

NM_004336.5(BUB1):c.388G>A (p.Ala130Thr)

Gene: BUB1 (BUB1 mitotic checkpoint serine/threonine kinase; minus strand). Cytogenetic location: 2q13.
Variant type: single nucleotide variant.
Coding change: c.388G>A on transcript NM_004336.5 (MANE Select); coding-DNA position 388, G replaced by A.
Protein change: p.Ala130Thr; replaces alanine 130 with threonine.
Molecular consequence: missense variant.
Genome position (GRCh38, 1-based): chr2:110,672,695, C>T on the plus strand (G>A on the coding strand, the complement: BUB1 is on the minus strand). VCF-style: chr2-110672695-C-T. GRCh37 (hg19) VCF-style: chr2-111430272-C-T.
Other names: c.328G>A, p.Ala110Thr (NM_001278616.2); c.388G>A, p.Ala130Thr (NM_001278617.2); short protein forms A110T, A130T.
Identifiers: ClinVar variation 3224095 (VCV003224095.1), dbSNP rs2468035745, ClinGen allele CA348220398.

ClinVar aggregate classification (germline): Uncertain significance (1 of 4 stars; one submission).

Submission:

Ambry Genetics
Classification: Uncertain significance. Last evaluated: 2023-12-01. Review status: criteria provided, single submitter. Criteria: Ambry Variant Classification Scheme 2023. Collection method: clinical testing. Allele origin: germline.
Comment: The p.A130T variant (also known as c.388G>A), located in coding exon 4 of the BUB1 gene, results from a G to A substitution at nucleotide position 388. The alanine at codon 130 is replaced by threonine, an amino acid with similar properties. This amino acid position is conserved. In addition, this alteration is predicted to be deleterious by in silico analysis. Since supporting evidence is limited at this time, the clinical significance of this alteration remains unclear.